The following is an entry in ClinVar:

NM_001371395.1(USP53):c.331C>T (p.Arg111Ter)

Gene: USP53 (ubiquitin specific peptidase 53; plus strand). Cytogenetic location: 4q26.
Variant type: single nucleotide variant.
Coding change: c.331C>T on transcript NM_001371395.1 (MANE Select); coding-DNA position 331, C replaced by T.
Protein change: p.Arg111Ter; replaces arginine 111 with a stop codon.
Molecular consequence: nonsense. On other transcripts: 5 prime UTR variant (6).
Genome position (GRCh38, 1-based): chr4:119,248,841, C>T. VCF-style: chr4-119248841-C-T. GRCh37 (hg19) VCF-style: chr4-120169996-C-T.
Other names: c.331C>T, p.Arg111Ter (NM_001371396.1, NM_001371397.1, NM_001371398.1 and 6 more transcripts); c.-18C>T (NM_001389662.1, NM_001389663.1, NM_001389664.1 and 3 more transcripts); short protein forms R111*.
Identifiers: ClinVar variation 1526171 (VCV001526171.2), dbSNP rs767460503, ClinGen allele CA3058878.

ClinVar aggregate classification (germline): Likely pathogenic. Review status: criteria provided, multiple submitters, no conflicts (2 of 4 stars). 2 submissions from 2 submitters: Likely pathogenic (2). Last evaluated 2025-03-18.

Conditions:
Cholestasis, progressive familial intrahepatic, 7, with or without hearing loss. Identifiers: MedGen C5562043, MONDO:0030503, OMIM 619658.

Allele frequency attached by ClinVar (database versions not stated): TOPMed below 0.00001; gnomAD 0.00001.
gnomAD v4.1: 5 of 1,613,910 alleles (0.00031%); highest among the groups gnomAD compares: East Asian, 0.0022%; no homozygotes.

Submissions (2):

First Genomix Gene Laboratory, Genetic Diagnostics Department
Classification: Likely pathogenic for Cholestasis, progressive familial intrahepatic, 7, with or without hearing loss. Last evaluated: 2025-03-18. Review status: criteria provided, single submitter. Criteria: ACMG Guidelines, 2015. Collection method: clinical testing. Allele origin: germline. Inheritance: Autosomal recessive inheritance. Affected: no. Observed: 1 variant allele.

3billion
Classification: Likely pathogenic for Cholestasis, progressive familial intrahepatic, 7, with or without hearing loss. Last evaluated: 2022-03-22. Review status: criteria provided, single submitter. Criteria: ACMG Guidelines, 2015. Collection method: clinical testing. Allele origin: germline. Affected: yes. Observed: 1 heterozygote.
Comment: Stop-gained (nonsense): predicted to result in a loss or disruption of normal protein function through nonsense-mediated decay (NMD) or protein truncation. Multiple pathogenic variants are reported downstream of the variant.It is observed at an extremely low frequency in the gnomAD v2.1.1 dataset (total allele frequency:0.0000080). Therefore, this variant is classified as likely pathogenic according to the recommendation of ACMG/AMP guideline.